The following is an entry in ClinVar:

ClinVar aggregate classification (germline): Uncertain significance. Review status: criteria provided, multiple submitters, no conflicts (2 of 4 stars). 2 submissions from 2 submitters: Uncertain significance (2). Last evaluated 2024-12-16.

Allele frequency attached by ClinVar (database versions not stated): gnomAD 0.00001; gnomAD exomes 0.00002; TOPMed 0.00008; ExAC 0.00009; 1000 Genomes Project 30x 0.00016; 1000 Genomes Project 0.00020.
gnomAD v4.1: 34 of 1,590,554 alleles (0.0021%); highest among the groups gnomAD compares: East Asian, 0.021%; no homozygotes.

Submissions (2):

Labcorp Genetics (formerly Invitae), Labcorp
Classification: Uncertain significance. Last evaluated: 2024-12-16. Review status: criteria provided, single submitter. Criteria: Invitae Variant Classification Sherloc (09022015). Collection method: clinical testing. Allele origin: germline.
Comment: This sequence change replaces arginine, which is basic and polar, with glutamine, which is neutral and polar, at codon 182 of the FSCN2 protein (p.Arg182Gln). The frequency data for this variant in the population databases is considered unreliable, as metrics indicate poor data quality at this position in the gnomAD database. This variant has not been reported in the literature in individuals affected with FSCN2-related conditions. ClinVar contains an entry for this variant (Variation ID: 1063412). An algorithm developed to predict the effect of missense changes on protein structure and function (PolyPhen-2) suggests that this variant is likely to be tolerated. In summary, the available evidence is currently insufficient to determine the role of this variant in disease. Therefore, it has been classified as a Variant of Uncertain Significance.

Ambry Genetics
Classification: Uncertain significance. Last evaluated: 2023-06-21. Review status: criteria provided, single submitter. Criteria: Ambry Variant Classification Scheme 2023. Collection method: clinical testing. Allele origin: germline.

NM_012418.4(FSCN2):c.545G>A (p.Arg182Gln)

Gene: FSCN2 (fascin actin-bundling protein 2, retinal; plus strand). Cytogenetic location: 17q25.3.
Variant type: single nucleotide variant.
Coding change: c.545G>A on transcript NM_012418.4 (MANE Select); coding-DNA position 545, G replaced by A.
Protein change: p.Arg182Gln; replaces arginine 182 with glutamine.
Molecular consequence: missense variant.
Genome position (GRCh38, 1-based): chr17:81,529,076, G>A. VCF-style: chr17-81529076-G-A. GRCh37 (hg19) VCF-style: chr17-79496102-G-A.
Other names: c.545G>A, p.Arg182Gln (NM_001077182.3); c.545G>A (NM_001077182.2); short protein forms R182Q.
Identifiers: ClinVar variation 1063412 (VCV001063412.10), dbSNP rs551872396, ClinGen allele CA8836712.